The following is an entry in ClinVar:

ClinVar aggregate classification (germline): Uncertain significance (1 of 4 stars; one submission).

Conditions:
Walker-Warburg congenital muscular dystrophy. Also called: Muscular dystrophy-dystroglycanopathy, type A; Walker-Warburg syndrome. Identifiers: Orphanet 899, MedGen C0265221, MONDO:0000171.

Allele frequency attached by ClinVar (database versions not stated): gnomAD exomes below 0.00001.
gnomAD v4.1: 2 of 1,613,154 alleles (0.00012%); highest among the groups gnomAD compares: Non-Finnish European, 0.00017%; no homozygotes.

Submission:

Labcorp Genetics (formerly Invitae), Labcorp
Classification: Uncertain significance for Walker-Warburg congenital muscular dystrophy. Last evaluated: 2022-01-23. Review status: criteria provided, single submitter. Criteria: Invitae Variant Classification Sherloc (09022015). Collection method: clinical testing. Allele origin: germline.
Comment: This sequence change replaces serine, which is neutral and polar, with arginine, which is basic and polar, at codon 142 of the FKTN protein (p.Ser142Arg). This variant is not present in population databases (gnomAD no frequency). This variant has not been reported in the literature in individuals affected with FKTN-related conditions. Algorithms developed to predict the effect of missense changes on protein structure and function are either unavailable or do not agree on the potential impact of this missense change (SIFT: "Deleterious"; PolyPhen-2: "Benign"; Align-GVGD: "Class C15"). In summary, the available evidence is currently insufficient to determine the role of this variant in disease. Therefore, it has been classified as a Variant of Uncertain Significance.

NM_001079802.2(FKTN):c.426T>G (p.Ser142Arg)

Gene: FKTN (fukutin; plus strand). Cytogenetic location: 9q31.2.
Variant type: single nucleotide variant.
Coding change: c.426T>G on transcript NM_001079802.2 (MANE Select); coding-DNA position 426, T replaced by G.
Protein change: p.Ser142Arg; replaces serine 142 with arginine.
Molecular consequence: missense variant. On other transcripts: non-coding transcript variant (2).
Genome position (GRCh38, 1-based): chr9:105,604,271, T>G. VCF-style: chr9-105604271-T-G. GRCh37 (hg19) VCF-style: chr9-108366552-T-G.
Other names: c.426T>G, p.Ser142Arg (NM_001198963.2, NM_001351496.2, NM_001351498.2 and 1 more transcripts); c.357T>G, p.Ser119Arg (NM_001351497.2); c.30T>G, p.Ser10Arg (NM_001351499.2, NM_001351500.2, NM_001351501.2 and 1 more transcripts); short protein forms S119R, S142R, S10R.
Identifiers: ClinVar variation 2089208 (VCV002089208.1), dbSNP rs2539404506, ClinGen allele CA374331979.
Genomic context (GRCh38, chr9:105,604,271, plus strand): 5'-CTAGGAAGGCTGGTTTCGGATAGCTGAGAATATGGGATTTCAGTGCCTAAAGATTGAGAG[T>G]AAAGATCCCCGGCTAGACGGGATAGACTCACTCTCTGGAACTGAAATCCCCCTGCACTAT-3'
Protein context (NP_001073270.1, residues 132-152): NMGFQCLKIE[Ser142Arg]KDPRLDGIDS